The following is an entry in ClinVar:

NM_020921.4(NIN):c.2573G>A (p.Trp858Ter)

Gene: NIN (ninein; minus strand). Cytogenetic location: 14q22.1.
Variant type: single nucleotide variant.
Coding change: c.2573G>A on transcript NM_020921.4 (MANE Select); coding-DNA position 2573, G replaced by A.
Protein change: p.Trp858Ter; replaces tryptophan 858 with a stop codon.
Molecular consequence: nonsense. On other transcripts: intron variant (1).
Genome position (GRCh38, 1-based): chr14:50,758,457, C>T on the plus strand (G>A on the coding strand, the complement: NIN is on the minus strand). VCF-style: chr14-50758457-C-T. GRCh37 (hg19) VCF-style: chr14-51225175-C-T.
Other names: c.2573G>A, p.Trp858Ter (NM_182944.3, NM_182946.2); c.2399+1400G>A (NM_016350.5); short protein forms W858*.
Identifiers: ClinVar variation 4702849 (VCV004702849.1).

ClinVar aggregate classification (germline): Uncertain significance (1 of 4 stars; one submission).

Submission:

Labcorp Genetics (formerly Invitae), Labcorp
Classification: Uncertain significance. Last evaluated: 2025-09-28. Review status: criteria provided, single submitter. Criteria: Invitae Variant Classification Sherloc (09022015). Collection method: clinical testing. Allele origin: germline.
Comment: This sequence change creates a premature translational stop signal (p.Trp858*) in the NIN gene. It is expected to result in an absent or disrupted protein product. However, the current clinical and genetic evidence is not sufficient to establish whether loss-of-function variants in NIN cause disease. This variant is present in population databases (no rsID available, gnomAD no frequency). This variant has not been reported in the literature in individuals affected with NIN-related conditions. In summary, the available evidence is currently insufficient to determine the role of this variant in disease. Therefore, it has been classified as a Variant of Uncertain Significance.